The following is an entry in ClinVar:

NM_001206927.2(DNAH8):c.4111G>A (p.Glu1371Lys)

Gene: DNAH8 (dynein axonemal heavy chain 8; plus strand). Cytogenetic location: 6p21.2.
Variant type: single nucleotide variant.
Coding change: c.4111G>A on transcript NM_001206927.2 (MANE Select); coding-DNA position 4111, G replaced by A.
Protein change: p.Glu1371Lys; replaces glutamic acid 1371 with lysine.
Molecular consequence: missense variant.
Genome position (GRCh38, 1-based): chr6:38,828,211, G>A. VCF-style: chr6-38828211-G-A. GRCh37 (hg19) VCF-style: chr6-38795987-G-A.
Other names: c.3460G>A, p.Glu1154Lys (NM_001371.4); short protein forms E1371K, E1154K.
Identifiers: ClinVar variation 844839 (VCV000844839.13), dbSNP rs149020489, ClinGen allele CA3789039.

ClinVar aggregate classification (germline): Uncertain significance. Review status: criteria provided, multiple submitters, no conflicts (2 of 4 stars). 4 submissions from 4 submitters: Uncertain significance (3). 1 of the submissions does not count toward it. Last evaluated 2025-01-15.

Conditions:
Primary ciliary dyskinesia. Also called: Ciliary dyskinesia. Identifiers: Orphanet 244, MedGen C0008780, MONDO:0016575, HP:0012265.
DNAH8-related disorder. Also called: DNAH8-related condition.

Allele frequency attached by ClinVar (database versions not stated): 1000 Genomes Project 30x 0.00047; 1000 Genomes Project 0.00060; gnomAD exomes 0.00004 and 0.00010; ExAC 0.00012; gnomAD 0.00038 and 0.00039; TOPMed 0.00043; ESP Exome Variant Server 0.00046.
gnomAD v4.1: 122 of 1,594,838 alleles (0.0076%); highest among the groups gnomAD compares: African/African-American, 0.11%; no homozygotes.

Submissions (4):

Labcorp Genetics (formerly Invitae), Labcorp
Classification: Uncertain significance for Primary ciliary dyskinesia. Last evaluated: 2025-01-15. Review status: criteria provided, single submitter. Criteria: Invitae Variant Classification Sherloc (09022015). Collection method: clinical testing. Allele origin: germline.
Comment: This sequence change replaces glutamic acid, which is acidic and polar, with lysine, which is basic and polar, at codon 1371 of the DNAH8 protein (p.Glu1371Lys). This variant is present in population databases (rs149020489, gnomAD 0.1%). This variant has not been reported in the literature in individuals affected with DNAH8-related conditions. ClinVar contains an entry for this variant (Variation ID: 844839). Invitae Evidence Modeling of protein sequence and biophysical properties (such as structural, functional, and spatial information, amino acid conservation, physicochemical variation, residue mobility, and thermodynamic stability) indicates that this missense variant is not expected to disrupt DNAH8 protein function with a negative predictive value of 80%. In summary, the available evidence is currently insufficient to determine the role of this variant in disease. Therefore, it has been classified as a Variant of Uncertain Significance.

Ambry Genetics
Classification: Uncertain significance. Last evaluated: 2024-02-27. Review status: criteria provided, single submitter. Criteria: Ambry Variant Classification Scheme 2023. Collection method: clinical testing. Allele origin: germline.

GeneDx
Classification: Uncertain significance. Last evaluated: 2022-04-15. Review status: criteria provided, single submitter. Criteria: GeneDx Variant Classification Process June 2021. Collection method: clinical testing. Allele origin: germline. Affected: yes.
Comment: In silico analysis supports that this missense variant does not alter protein structure/function; Has not been previously published as pathogenic or benign to our knowledge

PreventionGenetics, part of Exact Sciences
Classification: Uncertain significance for DNAH8-related condition. Last evaluated: 2024-01-17. Review status: no assertion criteria provided. Collection method: clinical testing. Allele origin: germline. Not counted in ClinVar's aggregate classification.
Comment: The DNAH8 c.4111G>A variant is predicted to result in the amino acid substitution p.Glu1371Lys. To our knowledge, this variant has not been reported in the literature. This variant is reported in 0.12% of alleles in individuals of African descent in gnomAD. Although we suspect that this variant may be benign, at this time, the clinical significance of this variant is uncertain due to the absence of conclusive functional and genetic evidence.